The following is an entry in ClinVar:

NM_001161352.2(KCNMA1):c.459C>T (p.Ala153=)

Gene: KCNMA1 (potassium calcium-activated channel subfamily M alpha 1; minus strand). Cytogenetic location: 10q22.3.
Variant type: single nucleotide variant.
Coding change: c.459C>T on transcript NM_001161352.2 (MANE Select); coding-DNA position 459, C replaced by T.
Protein change: p.Ala153=; no amino-acid change (alanine 153 retained).
Molecular consequence: synonymous variant. On other transcripts: intron variant (1).
Genome position (GRCh38, 1-based): chr10:77,403,943, G>A on the plus strand (C>T on the coding strand, the complement: KCNMA1 is on the minus strand). VCF-style: chr10-77403943-G-A. GRCh37 (hg19) VCF-style: chr10-79163701-G-A.
Other names: c.459C>T, p.Ala153= (NM_001014797.3, NM_001161353.2, NM_001271519.2 and 7 more transcripts); c.379-152687C>T (NM_001271518.2).
Identifiers: ClinVar variation 1658014 (VCV001658014.32), dbSNP rs779927857, ClinGen allele CA5568697.

ClinVar aggregate classification (germline): Likely benign. Review status: criteria provided, multiple submitters, no conflicts (2 of 4 stars). 2 submissions from 2 submitters: Likely benign (2). Last evaluated 2025-12-21.

Conditions:
Generalized epilepsy-paroxysmal dyskinesia syndrome (PNKD3). Also called: Generalized epilepsy and paroxysmal dyskinesia; Paroxysmal nonkinesigenic dyskinesia, 3, with or without generalized epilepsy. Identifiers: Orphanet 79137, MedGen C5574945, MONDO:0012276, OMIM 609446.

Allele frequency attached by ClinVar (database versions not stated): gnomAD 0.00001; TOPMed 0.00001; ExAC 0.00002; gnomAD exomes 0.00002 and 0.00003.
gnomAD v4.1: 26 of 1,614,012 alleles (0.0016%); highest among the groups gnomAD compares: African/African-American, 0.004%; no homozygotes.

Submissions (2):

Labcorp Genetics (formerly Invitae), Labcorp
Classification: Likely benign for Generalized epilepsy-paroxysmal dyskinesia syndrome. Last evaluated: 2025-12-21. Review status: criteria provided, single submitter. Criteria: Invitae Variant Classification Sherloc (09022015). Collection method: clinical testing. Allele origin: germline.

CeGaT Center for Human Genetics Tuebingen
Classification: Likely benign. Last evaluated: 2022-11-01. Review status: criteria provided, single submitter. Criteria: CeGaT Center For Human Genetics Tuebingen Variant Classification Criteria Version 2. Collection method: clinical testing. Allele origin: germline. Affected: yes. Observed: 1 variant allele.
Comment: KCNMA1: BP4, BP7